The following is an entry in ClinVar:

NM_000384.3(APOB):c.4418C>A (p.Ser1473Tyr)

Gene: APOB (apolipoprotein B; minus strand). Cytogenetic location: 2p24.1.
Variant type: single nucleotide variant.
Coding change: c.4418C>A on transcript NM_000384.3 (MANE Select); coding-DNA position 4418, C replaced by A.
Protein change: p.Ser1473Tyr; replaces serine 1473 with tyrosine.
Molecular consequence: missense variant.
Genome position (GRCh38, 1-based): chr2:21,012,450, G>T on the plus strand (C>A on the coding strand, the complement: APOB is on the minus strand). VCF-style: chr2-21012450-G-T. GRCh37 (hg19) VCF-style: chr2-21235322-G-T.
Other names: short protein forms S1473Y.
Identifiers: ClinVar variation 1163200 (VCV001163200.8), dbSNP rs866813485, ClinGen allele CA43508366.
Genomic context (GRCh38, chr2:21,012,450, plus strand): 5'-GAGACTCTGAACTGCCCATCAATCTTGACTTCTTTGACAAACAAATGCTGTTTCTTTTTG[G>T]AGTCCAAATGAACTGAAGCAGACATCTGTGGTCCCCAGGAACTAGATGCATCGAATATTA-3'
Protein context (NP_000375.3, residues 1463-1483): PQMSASVHLD[Ser1473Tyr]KKKQHLFVKE

ClinVar aggregate classification (germline): Uncertain significance. Review status: criteria provided, multiple submitters, no conflicts (2 of 4 stars). 3 submissions from 3 submitters: Uncertain significance (3). Last evaluated 2025-03-14.

Conditions:
Cardiovascular phenotype. Identifiers: MedGen CN230736.

Allele frequency attached by ClinVar (database versions not stated): TOPMed 0.00002; gnomAD 0.00001.
gnomAD v4.1: 4 of 1,613,974 alleles (0.00025%); highest among the groups gnomAD compares: African/African-American, 0.0053%; no homozygotes.

Submissions (3):

GeneDx
Classification: Uncertain significance. Last evaluated: 2025-03-14. Review status: criteria provided, single submitter. Criteria: GeneDx Variant Classification Process June 2021. Collection method: clinical testing. Allele origin: germline. Affected: yes.
Comment: Not observed at significant frequency in large population cohorts (gnomAD); In silico analysis supports that this missense variant has a deleterious effect on protein structure/function; Has not been previously published as pathogenic or benign to our knowledge

Ambry Genetics
Classification: Uncertain significance for Cardiovascular phenotype. Last evaluated: 2022-09-26. Review status: criteria provided, single submitter. Criteria: Ambry Variant Classification Scheme 2023. Collection method: clinical testing. Allele origin: germline.
Comment: The p.S1473Y variant (also known as c.4418C>A), located in coding exon 26 of the APOB gene, results from a C to A substitution at nucleotide position 4418. The serine at codon 1473 is replaced by tyrosine, an amino acid with dissimilar properties. This amino acid position is conserved. In addition, this alteration is predicted to be tolerated by in silico analysis. Since supporting evidence is limited at this time, the clinical significance of this alteration remains unclear.

Mayo Clinic Laboratories, Mayo Clinic
Classification: Uncertain significance. Last evaluated: 2019-04-15. Review status: criteria provided, single submitter. Criteria: ACMG Guidelines, 2015. Collection method: clinical testing. Allele origin: germline. Observed: 1 variant allele.